The following is an entry in ClinVar:

ClinVar aggregate classification (germline): Conflicting classifications of pathogenicity. Review status: criteria provided, conflicting classifications (1 of 4 stars). 4 submissions from 4 submitters: Uncertain significance (2); Likely benign (2). Last evaluated 2026-07-21.

Conditions:
IFT172-related disorder. Also called: IFT172-related disorders; IFT172-related condition.
Retinitis pigmentosa 71 (RP71). Identifiers: Orphanet 791, MedGen C4225342, MONDO:0014618, OMIM 616394.
Short-rib thoracic dysplasia 10 with or without polydactyly (SRTD10). Identifiers: Orphanet 474, MedGen C3810175, MONDO:0014284, OMIM 615630.

Allele frequency attached by ClinVar (database versions not stated): gnomAD exomes 0.00020 and 0.00039; gnomAD 0.00021 and 0.00022; TOPMed 0.00023; ESP Exome Variant Server 0.00038; ExAC 0.00020.
gnomAD v4.1: 590 of 1,613,728 alleles (0.037%); highest among the groups gnomAD compares: Non-Finnish European, 0.048%; no homozygotes.

Submissions (4):

PreventionGenetics, part of Exact Sciences
Classification: Uncertain significance for IFT172-related condition. Last evaluated: 2026-07-21. Review status: criteria provided, single submitter. Criteria: ACMG Guidelines, 2015. Collection method: clinical testing. Allele origin: germline.
Comment: The IFT172 c.1426G>A variant is predicted to result in the amino acid substitution p.Gly476Ser. To our knowledge, this variant has not been reported in the literature. This variant is reported in 0.040% of alleles in individuals of European (Non-Finnish) descent in gnomAD. At this time, the clinical significance of this variant is uncertain due to the absence of conclusive functional and genetic evidence.

Labcorp Genetics (formerly Invitae), Labcorp
Classification: Likely benign for Retinitis pigmentosa 71; Short-rib thoracic dysplasia 10 with or without polydactyly. Last evaluated: 2025-11-19. Review status: criteria provided, single submitter. Criteria: Invitae Variant Classification Sherloc (09022015). Collection method: clinical testing. Allele origin: germline.

Blueprint Genetics
Classification: Likely benign. Last evaluated: 2024-11-25. Review status: criteria provided, single submitter. Criteria: ACMG Guidelines, 2015. Collection method: clinical testing. Allele origin: germline.

GeneDx
Classification: Uncertain significance. Last evaluated: 2024-08-30. Review status: criteria provided, single submitter. Criteria: GeneDx Variant Classification Process June 2021. Collection method: clinical testing. Allele origin: germline. Affected: yes.
Comment: In silico analysis supports that this missense variant has a deleterious effect on protein structure/function; Has not been previously published as pathogenic or benign to our knowledge

NM_015662.3(IFT172):c.1426G>A (p.Gly476Ser)

Gene: IFT172 (intraflagellar transport 172; minus strand). Cytogenetic location: 2p23.3.
Variant type: single nucleotide variant.
Coding change: c.1426G>A on transcript NM_015662.3 (MANE Select); coding-DNA position 1426, G replaced by A.
Protein change: p.Gly476Ser; replaces glycine 476 with serine.
Molecular consequence: missense variant.
Genome position (GRCh38, 1-based): chr2:27,472,348, C>T on the plus strand (G>A on the coding strand, the complement: IFT172 is on the minus strand). VCF-style: chr2-27472348-C-T. GRCh37 (hg19) VCF-style: chr2-27695215-C-T.
Other names: short protein forms G476S.
Identifiers: ClinVar variation 424488 (VCV000424488.15), dbSNP rs147303046, ClinGen allele CA1580647.
Genomic context (GRCh38, chr2:27,472,348, plus strand): 5'-TCTCATTAAGTTCCAGCCAATCCACACGGCTCTCATGGCTGACGGTGCCAATGTTGTAGC[C>T]ACCAATCAGATCCACTATAGAATAAAGGAGACAGGGTTAAGAAGAGAGATTCCACACATA-3'
Protein context (NP_056477.1, residues 466-486): KTIAIVDLIG[Gly476Ser]YNIGTVSHES